The following is an entry in ClinVar:

ClinVar aggregate classification (germline): Conflicting classifications of pathogenicity. Review status: criteria provided, conflicting classifications (1 of 4 stars). 3 submissions from 3 submitters: Uncertain significance (2); Likely benign (1). Last evaluated 2026-02-19.

Allele frequency attached by ClinVar (database versions not stated): gnomAD exomes below 0.00001; TOPMed below 0.00001; gnomAD 0.00001.
gnomAD v4.1: 26 of 1,612,936 alleles (0.0016%); highest among the groups gnomAD compares: Admixed American, 0.0067%; no homozygotes.

Submissions (3):

GeneDx
Classification: Uncertain significance. Last evaluated: 2026-02-19. Review status: criteria provided, single submitter. Criteria: GeneDx Variant Classification Process June 2021. Collection method: clinical testing. Allele origin: germline.
Comment: Has not been previously published as pathogenic or benign to our knowledge; Not observed at significant frequency in large population cohorts (gnomAD); In silico analysis supports that this missense variant has a deleterious effect on protein structure/function

Labcorp Genetics (formerly Invitae), Labcorp
Classification: Likely benign. Last evaluated: 2024-10-15. Review status: criteria provided, single submitter. Criteria: Invitae Variant Classification Sherloc (09022015). Collection method: clinical testing. Allele origin: germline.

Blueprint Genetics
Classification: Uncertain significance. Last evaluated: 2018-07-16. Review status: criteria provided, single submitter. Criteria: ACMG Guidelines, 2015. Collection method: clinical testing. Allele origin: germline.

NM_080680.3(COL11A2):c.3031C>T (p.Pro1011Ser)

Gene: COL11A2 (collagen type XI alpha 2 chain; minus strand). Cytogenetic location: 6p21.32.
Variant type: single nucleotide variant.
Coding change: c.3031C>T on transcript NM_080680.3 (MANE Select); coding-DNA position 3031, C replaced by T.
Protein change: p.Pro1011Ser; replaces proline 1011 with serine.
Molecular consequence: missense variant.
Genome position (GRCh38, 1-based): chr6:33,172,061, G>A on the plus strand (C>T on the coding strand, the complement: COL11A2 is on the minus strand). VCF-style: chr6-33172061-G-A. GRCh37 (hg19) VCF-style: chr6-33139838-G-A.
Other names: c.2710C>T, p.Pro904Ser (NM_080679.3); c.2773C>T, p.Pro925Ser (NM_080681.3); c.3031C>T (NM_080680.2); short protein forms P904S, P1011S, P925S.
Identifiers: ClinVar variation 1367170 (VCV001367170.8), dbSNP rs997533180, ClinGen allele CA137067672.
Genomic context (GRCh38, chr6:33,172,061, plus strand): 5'-CCACCCCTTTCCCGGGTCCTTCCTACCACTTCCGGAACCCCAGACTCACTGCAGGGCCAG[G>A]GGGGCCAGACGGACCTTCATTCCCCTTCAAACCAGGTCCACCCTATGAACCAGACATTTG-3'
Protein context (NP_542411.2, residues 1001-1021): LKGNEGPSGP[Pro1011Ser]GPAGSPGERG